The following is an entry in ClinVar:

ClinVar aggregate classification (germline): Conflicting classifications of pathogenicity. Review status: criteria provided, conflicting classifications (1 of 4 stars). 2 submissions from 2 submitters: Pathogenic (1); Uncertain significance (1). Last evaluated 2026-01-22.

Conditions:
CTR9-related neurodevelopmental disorder. Identifiers: MedGen CN378764, MONDO:1040006.

Submissions (2):

Division of Genetic & Genomic Pathology, Hong Kong Children's Hospital
Classification: Uncertain significance for CTR9-related neurodevelopmental disorder. Last evaluated: 2026-01-22. Review status: criteria provided, single submitter. Criteria: ACMG Guidelines, 2015. Collection method: clinical testing. Allele origin: de novo. Affected: yes.
Comment: CTR9 c.46-1G>T p.(?) is a canonical splice acceptor site variant at intron 1 of the CTR9 gene, which has a total of 25 exons. The variant is predicted to lead to the skipping of exon 2 without introducing frameshift, resulting in a loss of less than 10% of the protein product. The variant is absent from population control databases (gnomAD v2.1.1 and v4.1.0) and has not been submitted to clinical databases such as ClinVar or HGMD (v2025.3). A different splicing variant at the same splice acceptor site (c.46-2A>C) with identical predicted impact has been reported to occur de novo in an individual with developmental delay from a high-throughput study (PMID: 33057194). For these reasons, CTR9 c.46-1G>T is classified as a variant of uncertain significance.

Victorian Clinical Genetics Services, Murdoch Childrens Research Institute
Classification: Pathogenic for CTR9-related neurodevelopmental disorder. Last evaluated: 2025-02-24. Review status: criteria provided, single submitter. Criteria: ACMG Guidelines, 2015. Collection method: clinical testing. Allele origin: germline. Affected: yes.
Comment: This variant is classified as Pathogenic. Evidence in support of pathogenic classification: Canonical splice site variant without proven consequence on splicing (no functional evidence available); Variant is absent from gnomAD (v2, v3 and v4); Another splice site variant comparable to the one identified in this case has limited previous evidence for pathogenicity. The c.46-2A>C variant has been reported in the literature as de novo in an individual with a developmental disorder (PMID: 35468861); Abnormal splicing is predicted by in silico tool and affected nucleotide is highly conserved; Additional information: This variant is heterozygous; This gene is associated with autosomal dominant disease; This variant has no previous evidence of pathogenicity; No published segregation evidence has been identified for this variant; No published functional evidence has been identified for this variant; The mechanism of disease for this gene is not clearly established. Loss of function is a suggested mechanism for Wilms tumor which is associated with splice variants at the acceptor or donor site of exon nine or NMD-predicted variants (PMIDs: 25099282, 29292210, 39293508); A condition associated with this gene has incomplete penetrance. Familial Wilms tumour MONDO#0006058, CTR9-related, is known to have reduced penetrance (PMID: 25099282, 29292210).

Literature cited by the submitters: PubMed 33057194 (cited by Division of Genetic & Genomic Pathology, Hong Kong Children's Hospital); PubMed 29292210 (cited by Victorian Clinical Genetics Services, Murdoch Childrens Research Institute); PubMed 35468861 (cited by Victorian Clinical Genetics Services, Murdoch Childrens Research Institute); PubMed 39293508 (cited by Victorian Clinical Genetics Services, Murdoch Childrens Research Institute); PubMed 25099282 (cited by Victorian Clinical Genetics Services, Murdoch Childrens Research Institute).

NM_014633.5(CTR9):c.46-1G>T

Gene: CTR9 (CTR9 component of Paf1/RNA polymerase II complex; plus strand). Cytogenetic location: 11p15.4.
Variant type: single nucleotide variant.
Coding change: c.46-1G>T on transcript NM_014633.5 (MANE Select); the canonical splice acceptor site of the intron before coding-DNA position 46, G replaced by T.
Molecular consequence: splice acceptor variant.
Genome position (GRCh38, 1-based): chr11:10,752,671, G>T. VCF-style: chr11-10752671-G-T. GRCh37 (hg19) VCF-style: chr11-10774218-G-T.
Other names: c.46-1G>T (NM_001346279.2).
Identifiers: ClinVar variation 4531690 (VCV004531690.2).
Genomic context (GRCh38, chr11:10,752,671, plus strand): 5'-CAAAGATGAAATGTGAATTTTAAAGTGGAATAAGAGTTAAGACCTACCTTTTGTATTTTA[G>T]GTCATTGAACTTGACTTCGATCAGTTACCGGAGGGAGATGAAGTTATCAGTATTCTGAAA-3'